The following is an entry in ClinVar:

ClinVar aggregate classification (germline): Uncertain significance. Review status: criteria provided, single submitter (1 of 4 stars). 2 submissions from 2 submitters: Uncertain significance (1). 1 of the submissions does not count toward it. Last evaluated 2022-03-08.

Conditions:
Alstrom syndrome (ALMS). Identifiers: Orphanet 64, MedGen C0268425, MONDO:0008763, OMIM 203800.

Submissions (2):

Labcorp Genetics (formerly Invitae), Labcorp
Classification: Uncertain significance for Alstrom syndrome. Last evaluated: 2022-03-08. Review status: criteria provided, single submitter. Criteria: Invitae Variant Classification Sherloc (09022015). Collection method: clinical testing. Allele origin: germline.
Comment: In summary, the available evidence is currently insufficient to determine the role of this variant in disease. Therefore, it has been classified as a Variant of Uncertain Significance. Experimental studies and prediction algorithms are not available or were not evaluated, and the functional significance of this variant is currently unknown. This variant has not been reported in the literature in individuals affected with ALMS1-related conditions. This variant is not present in population databases (gnomAD no frequency). This sequence change replaces lysine, which is basic and polar, with glutamic acid, which is acidic and polar, at codon 332 of the ALMS1 protein (p.Lys332Glu).

Natera, Inc.
Classification: Uncertain significance for Alstrom syndrome. Last evaluated: 2025-01-13. Review status: no assertion criteria provided. Collection method: clinical testing. Allele origin: germline. Not counted in ClinVar's aggregate classification.

NM_001378454.1(ALMS1):c.991A>G (p.Lys331Glu)

Gene: ALMS1 (ALMS1 centrosome and basal body associated protein; plus strand). Cytogenetic location: 2p13.1.
Variant type: single nucleotide variant.
Coding change: c.991A>G on transcript NM_001378454.1 (MANE Select); coding-DNA position 991, A replaced by G.
Protein change: p.Lys331Glu; replaces lysine 331 with glutamic acid.
Molecular consequence: missense variant.
Genome position (GRCh38, 1-based): chr2:73,424,656, A>G. VCF-style: chr2-73424656-A-G. GRCh37 (hg19) VCF-style: chr2-73651784-A-G.
Other names: c.994A>G, p.Lys332Glu (NM_015120.4); short protein forms K331E, K332E.
Identifiers: ClinVar variation 1349396 (VCV001349396.7), dbSNP rs2103715291, ClinGen allele CA347261155.